The following is an entry in ClinVar:

NM_001378457.1(DMXL2):c.2650C>T (p.Arg884Cys)

Gene: DMXL2 (Dmx like 2; minus strand). Cytogenetic location: 15q21.2.
Variant type: single nucleotide variant.
Coding change: c.2650C>T on transcript NM_001378457.1 (MANE Select); coding-DNA position 2650, C replaced by T.
Protein change: p.Arg884Cys; replaces arginine 884 with cysteine.
Molecular consequence: missense variant. On other transcripts: non-coding transcript variant (2).
Genome position (GRCh38, 1-based): chr15:51,507,248, G>A on the plus strand (C>T on the coding strand, the complement: DMXL2 is on the minus strand). VCF-style: chr15-51507248-G-A. GRCh37 (hg19) VCF-style: chr15-51799445-G-A.
Other names: c.2650C>T, p.Arg884Cys (NM_001174116.3, NM_001174117.3, NM_001378458.1 and 6 more transcripts); c.2410C>T, p.Arg804Cys (NM_001378464.1); short protein forms R884C, R804C.
Identifiers: ClinVar variation 1908379 (VCV001908379.2), dbSNP rs199765814, ClinGen allele CA7562289.

ClinVar aggregate classification (germline): Uncertain significance (1 of 4 stars; one submission).

Allele frequency attached by ClinVar (database versions not stated): ExAC 0.00002; gnomAD exomes 0.00002; TOPMed 0.00002; gnomAD 0.00003.

Submission:

Labcorp Genetics (formerly Invitae), Labcorp
Classification: Uncertain significance. Last evaluated: 2022-07-15. Review status: criteria provided, single submitter. Criteria: Invitae Variant Classification Sherloc (09022015). Collection method: clinical testing. Allele origin: germline.
Comment: This sequence change replaces arginine, which is basic and polar, with cysteine, which is neutral and slightly polar, at codon 884 of the DMXL2 protein (p.Arg884Cys). This variant is present in population databases (rs199765814, gnomAD 0.003%). This variant has not been reported in the literature in individuals affected with DMXL2-related conditions. Algorithms developed to predict the effect of missense changes on protein structure and function (SIFT, PolyPhen-2, Align-GVGD) all suggest that this variant is likely to be disruptive. In summary, the available evidence is currently insufficient to determine the role of this variant in disease. Therefore, it has been classified as a Variant of Uncertain Significance.